The following is an entry in ClinVar:

NM_000059.4(BRCA2):c.8857G>C (p.Glu2953Gln)

Gene: BRCA2 (BRCA2 DNA repair associated; plus strand). Cytogenetic location: 13q13.1.
Variant type: single nucleotide variant.
Coding change: c.8857G>C on transcript NM_000059.4 (MANE Select); coding-DNA position 8857, G replaced by C.
Protein change: p.Glu2953Gln; replaces glutamic acid 2953 with glutamine.
Molecular consequence: missense variant. On other transcripts: non-coding transcript variant (1).
Genome position (GRCh38, 1-based): chr13:32,379,419, G>C. VCF-style: chr13-32379419-G-C. GRCh37 (hg19) VCF-style: chr13-32953556-G-C.
Other names: c.8761G>C, p.Glu2921Gln (NM_001406719.1); c.8857G>C, p.Glu2953Gln (NM_001406720.1, NM_001432077.1); c.3925G>C, p.Glu1309Gln (NM_001406721.1); c.2440G>C, p.Glu814Gln (NM_001406722.1); short protein forms E1309Q, E2921Q, E2953Q, E814Q.
Identifiers: ClinVar variation 3386261 (VCV003386261.1).

ClinVar aggregate classification (germline): Uncertain significance (1 of 4 stars; one submission).

Conditions:
BRCA2-related cancer predisposition. Identifiers: MedGen CN377758, MONDO:0700269.

Submission:

All of Us Research Program, National Institutes of Health
Classification: Uncertain significance for BRCA2-related cancer predisposition. Last evaluated: 2024-06-09. Review status: criteria provided, single submitter. Criteria: ACMG Guidelines, 2015. Collection method: clinical testing. Allele origin: germline. Inheritance: Autosomal dominant inheritance. Observed: 1 variant allele, 1 heterozygote.
Comment: This missense variant replaces glutamic acid with glutamine at codon 2953 of the BRCA2 protein. Computational prediction suggests that this variant may not impact protein structure and function. To our knowledge, functional studies have not been reported for this variant. This variant has not been reported in individuals affected with BRCA2-related disorders in the literature. This variant has not been identified in the general population by the Genome Aggregation Database (gnomAD). The available evidence is insufficient to determine the role of this variant in disease conclusively. Therefore, this variant is classified as a Variant of Uncertain Significance.

This study involves interpretation of variants in research participants for the purpose of population health screening. Participant phenotype was not available at the time of variant classification. Additional details can be found in publication PMID: 35346344, PMCID: PMC8962531